The following is an entry in ClinVar:

ClinVar aggregate classification (germline): Pathogenic. Review status: reviewed by expert panel (3 of 4 stars). 6 submissions from 6 submitters: Pathogenic (1). 5 of the submissions do not count toward it. Last evaluated 2013-09-05.

Conditions:
Hereditary nonpolyposis colorectal neoplasms. Identifiers: MedGen C0009405, MeSH D003123.
Hereditary cancer-predisposing syndrome. Also called: Tumor predisposition; Hereditary Cancer Syndrome; Hereditary neoplastic syndrome; Neoplastic Syndromes, Hereditary. Identifiers: Orphanet 140162, MedGen C0027672, MeSH D009386, MONDO:0015356.
Lynch syndrome. Identifiers: Orphanet 144, MedGen C4552100, MONDO:0005835. Disease mechanism: loss of function.
Endometrial carcinoma. Also called: Endometrial carcinoma, somatic. Identifiers: MedGen C0476089, MONDO:0002447, OMIM 608089, HP:0012114.
Lynch syndrome 5 (LYNCH5). Also called: Colorectal cancer, hereditary nonpolyposis, type 5; Hereditary non-polyposis colorectal cancer, type 5. Identifiers: Orphanet 144, MedGen C1833477, MONDO:0013710, OMIM 614350. Disease mechanism: loss of function.

Submissions (6):

International Society for Gastrointestinal Hereditary Tumours (InSiGHT)
Classification: Pathogenic for Lynch Syndrome. Last evaluated: 2013-09-05. Review status: reviewed by expert panel. Criteria: Guidelines v1.9. Collection method: research. Allele origin: germline.
Comment: Coding sequence variation resulting in a stop codon

Classified with v1.9 guidelines

Ambry Genetics
Classification: Pathogenic for Hereditary cancer-predisposing syndrome. Last evaluated: 2024-10-31. Review status: criteria provided, single submitter. Criteria: Ambry Variant Classification Scheme 2023. Collection method: clinical testing. Allele origin: germline. Not counted in ClinVar's aggregate classification.
Comment: The c.1784delT pathogenic mutation, located in coding exon 4 of the MSH6 gene, results from a deletion of one nucleotide at nucleotide position 1784, causing a translational frameshift with a predicted alternate stop codon. This variant has been reported in multiple individuals and families with Lynch syndrome; some of whom have tumor testing results showing high microsatellite instability and loss of the MSH6 protein via immunohistochemical staining and/or who meet Amsterdam II and/or revised Bethesda criteria (Wijnen J et al. Nat. Genet., 1999 Oct;23:142-4; van Lier MG et al. J. Pathol., 2012 Apr;226:764-74; Baglietto L et al. J. Natl. Cancer Inst., 2010 Feb;102:193-201; Ramsoekh D et al. Gut, 2008 Nov;57:1539-44). This variant is considered to be rare based on population cohorts in the Genome Aggregation Database (gnomAD). In addition to the clinical data presented in the literature, this alteration is expected to result in loss of function by premature protein truncation or nonsense-mediated mRNA decay. As such, this alteration is interpreted as a disease-causing mutation.

Myriad Genetics, Inc.
Classification: Pathogenic for Lynch syndrome 5. Last evaluated: 2023-08-15. Review status: criteria provided, single submitter. Criteria: Myriad Autosomal Dominant, Autosomal Recessive and X-Linked Classification Criteria (2023). Collection method: clinical testing. Allele origin: unknown. Not counted in ClinVar's aggregate classification.
Comment: This variant is considered pathogenic. This variant creates a frameshift predicted to result in premature protein truncation.

Department of Pathology and Laboratory Medicine, Sinai Health System
Classification: Pathogenic for Endometrial carcinoma; Lynch syndrome 5. Last evaluated: 2022-10-25. Review status: criteria provided, single submitter. Criteria: ACMG Guidelines, 2015. Collection method: clinical testing. Allele origin: germline. Affected: yes. Not counted in ClinVar's aggregate classification.

Labcorp Genetics (formerly Invitae), Labcorp
Classification: Pathogenic for Hereditary nonpolyposis colorectal neoplasms. Last evaluated: 2021-10-28. Review status: criteria provided, single submitter. Criteria: Invitae Variant Classification Sherloc (09022015). Collection method: clinical testing. Allele origin: germline. Not counted in ClinVar's aggregate classification.
Comment: For these reasons, this variant has been classified as Pathogenic. ClinVar contains an entry for this variant (Variation ID: 89223). This premature translational stop signal has been observed in individual(s) with colorectal cancer (PMID: 22081473). This variant is not present in population databases (gnomAD no frequency). This sequence change creates a premature translational stop signal (p.Leu595Tyrfs*15) in the MSH6 gene. It is expected to result in an absent or disrupted protein product. Loss-of-function variants in MSH6 are known to be pathogenic (PMID: 18269114, 24362816).

Clinical Genetics DNA and cytogenetics Diagnostics Lab, Erasmus MC, Erasmus Medical Center
Classification: Pathogenic. Review status: no assertion criteria provided. Collection method: clinical testing. Allele origin: germline. Affected: yes. Study: VKGL Data-share Consensus. Not counted in ClinVar's aggregate classification.

Literature cited by the submitters: PubMed 10508506 (cited by Ambry Genetics); PubMed 18625694 (cited by Ambry Genetics); PubMed 20028993 (cited by Ambry Genetics); PubMed 22081473 (cited by 3 submitters); PubMed 18269114 (cited by Labcorp Genetics (formerly Invitae), Labcorp); PubMed 24362816 (cited by Labcorp Genetics (formerly Invitae), Labcorp).

NM_000179.3(MSH6):c.1784del (p.Leu595fs)

Gene: MSH6 (mutS homolog 6; plus strand). Cytogenetic location: 2p16.3.
Variant type: Deletion.
Coding change: c.1784del on transcript NM_000179.3 (MANE Select); coding-DNA position 1784, one base deleted (T; older notation c.1784delT).
Protein change: p.Leu595fs; shifts the reading frame from leucine 595.
Molecular consequence: frameshift variant.
Genome position (GRCh38, 1-based): chr2:47,799,767, T deleted; the last of 4 consecutive T bases (chr2:47,799,764-47,799,767); deleting any one gives the same sequence. VCF-style (leftmost placement, unchanged base first): chr2-47799763-GT-G. GRCh37 (hg19) VCF-style: chr2-48026902-GT-G.
Other names: c.1394del, p.Leu465fs (NM_001281492.2); c.878del, p.Leu293fs (NM_001281493.2, NM_001281494.2); c.1784delT (NM_000179.2); short protein forms L293fs, L465fs.
Identifiers: ClinVar variation 89223 (VCV000089223.18), dbSNP rs267608050, ClinGen allele CA009184.